The following is an entry in ClinVar:

NM_001032283.3(TMPO):c.565+1694_565+1696del

Gene: TMPO (thymopoietin; plus strand). Cytogenetic location: 12q23.1.
Variant type: Microsatellite.
Coding change: c.565+1694_565+1696del on transcript NM_001032283.3 (MANE Select); bases 1694 to 1696 of the intron after coding-DNA position 565, 3 bases deleted (TCC; older notation c.565+1694_565+1696delTCC).
Molecular consequence: intron variant. On other transcripts: inframe deletion (1).
Genome position (GRCh38, 1-based): chr12:98,533,532-98,533,534, TCC deleted; deleting any 3 consecutive bases within chr12:98,533,528-98,533,534 gives the same sequence; the c. name uses the placement nearest the transcript's 3' end. VCF-style (leftmost placement, unchanged base first): chr12-98533527-TCTC-T. GRCh37 (hg19) VCF-style: chr12-98927305-TCTC-T.
Other names: c.1272TCC[1], p.Pro426del (NM_003276.2); c.565+1694_565+1696del (NM_001307975.2, NM_001032284.3); short protein forms P426del.
Identifiers: ClinVar variation 4718970 (VCV004718970.1).

ClinVar aggregate classification (germline): Uncertain significance (1 of 4 stars; one submission).

Conditions:
Loeys-Dietz syndrome 2 (LDS2). Also called: AORTIC ANEURYSM, FAMILIAL THORACIC 3; MARFAN SYNDROME, TYPE II; Marfan Syndrome type 2; Marfan like connective tissue disorder; MFS 2; Marfan syndrome, type 2 (formerly). Identifiers: Orphanet 284973, Orphanet 558, MedGen C2674574, MONDO:0012427, OMIM 610168.

Submission:

Labcorp Genetics (formerly Invitae), Labcorp
Classification: Uncertain significance for Loeys-Dietz syndrome 2. Last evaluated: 2025-05-05. Review status: criteria provided, single submitter. Criteria: Invitae Variant Classification Sherloc (09022015). Collection method: clinical testing. Allele origin: germline.
Comment: This variant, c.1275_1277del, results in the deletion of 1 amino acid(s) of the TMPO protein (p.Pro426del), but otherwise preserves the integrity of the reading frame. This variant is not present in population databases (gnomAD no frequency). This variant has not been reported in the literature in individuals affected with TMPO-related conditions. Experimental studies and prediction algorithms are not available or were not evaluated, and the functional significance of this variant is currently unknown. In summary, the available evidence is currently insufficient to determine the role of this variant in disease. Therefore, it has been classified as a Variant of Uncertain Significance.